The following is an entry in ClinVar:

ClinVar aggregate classification (germline): Uncertain significance (1 of 4 stars; one submission).

Conditions:
Dystonia 5 (DRD). Also called: GTP Cyclohydrolase 1-Deficient Dopa-Responsive Dystonia; Dystonia, DOPA-responsive, with or without hyperphenylalaninemia; DYT-GCH1; DYSTONIA, PROGRESSIVE, WITH DIURNAL VARIATION; DYSTONIA-PARKINSONISM WITH DIURNAL FLUCTUATION. Identifiers: Orphanet 98808, MedGen C1851920, MONDO:0007495, OMIM 128230.
GTP cyclohydrolase I deficiency. Identifiers: MedGen C0268467, MONDO:0100184.

gnomAD v4.1: 1 of 1,524,824 alleles (0.000066%); no homozygotes.

Submission:

Labcorp Genetics (formerly Invitae), Labcorp
Classification: Uncertain significance for GTP cyclohydrolase I deficiency; Dystonia 5. Last evaluated: 2025-02-06. Review status: criteria provided, single submitter. Criteria: Invitae Variant Classification Sherloc (09022015). Collection method: clinical testing. Allele origin: germline.
Comment: This sequence change replaces alanine, which is neutral and non-polar, with valine, which is neutral and non-polar, at codon 36 of the GCH1 protein (p.Ala36Val). This variant is not present in population databases (gnomAD no frequency). This variant has not been reported in the literature in individuals affected with GCH1-related conditions. Invitae Evidence Modeling of protein sequence and biophysical properties (such as structural, functional, and spatial information, amino acid conservation, physicochemical variation, residue mobility, and thermodynamic stability) indicates that this missense variant is not expected to disrupt GCH1 protein function with a negative predictive value of 95%. In summary, the available evidence is currently insufficient to determine the role of this variant in disease. Therefore, it has been classified as a Variant of Uncertain Significance.

NM_000161.3(GCH1):c.107C>T (p.Ala36Val)

Genes: GCH1 (GTP cyclohydrolase 1; minus strand), LOC130055692 (ATAC-STARR-seq lymphoblastoid silent region 5776; plus strand). Cytogenetic location: 14q22.2.
Variant type: single nucleotide variant.
Coding change: c.107C>T on transcript NM_000161.3 (MANE Select); coding-DNA position 107, C replaced by T.
Protein change: p.Ala36Val; replaces alanine 36 with valine.
Molecular consequence: missense variant.
Genome position (GRCh38, 1-based): chr14:54,902,557, G>A on the plus strand (C>T on the coding strand, the complement: GCH1 is on the minus strand). VCF-style: chr14-54902557-G-A. GRCh37 (hg19) VCF-style: chr14-55369275-G-A.
Other names: c.107C>T, p.Ala36Val (NM_001024071.2, NM_001424104.1, NM_001024024.2 and 1 more transcripts); short protein forms A36V.
Identifiers: ClinVar variation 4793262 (VCV004793262.1).